The following is an entry in ClinVar:

NM_170707.4(LMNA):c.1699-4C>T

Gene: LMNA (lamin A/C; plus strand). Cytogenetic location: 1q22.
Variant type: single nucleotide variant.
Coding change: c.1699-4C>T on transcript NM_170707.4 (MANE Select); 4 bases into the intron before coding-DNA position 1699, C replaced by T.
Molecular consequence: intron variant.
Genome position (GRCh38, 1-based): chr1:156,138,484, C>T. VCF-style: chr1-156138484-C-T. GRCh37 (hg19) VCF-style: chr1-156108275-C-T.
Other names: c.1699-4C>T (NM_001282626.2); c.1609-4C>T (NM_170708.4); c.1363-4C>T (NM_001257374.3).
Identifiers: ClinVar variation 795257 (VCV000795257.16), dbSNP rs1394491459, ClinGen allele CA526468622.
Genomic context (GRCh38, chr1:156,138,484, plus strand): 5'-TGGTTGGGCCTGAGTGGTCAGTCCCAGACTCGCCGTCCCGCCTGAGCCTTGTCTCCCTTC[C>T]CAGGGCTCCCACTGCAGCAGCTCGGGGGACCCCGCTGAGTACAACCTGCGCTCGCGCACC-3'

ClinVar aggregate classification (germline): Likely benign. Review status: criteria provided, multiple submitters, no conflicts (2 of 4 stars). 5 submissions from 5 submitters: Likely benign (4). 1 of the submissions does not count toward it. Last evaluated 2025-04-09.

Conditions:
LMNA-related disorder. Also called: LMNA-related condition; LMNA-related disease; LMNA-related disorders. Identifiers: MedGen CN380145.
Cardiomyopathy (CMYO). Also called: Cardiomyopathies. Identifiers: Orphanet 167848, MedGen C0878544, MONDO:0004994, HP:0001638. Inheritance: Various modes of inheritance.
Cardiovascular phenotype. Identifiers: MedGen CN230736.
Charcot-Marie-Tooth disease type 2. Also called: Charcot-Marie-Tooth type 2. Identifiers: Orphanet 64746, MedGen C0270914, MONDO:0018993.

Allele frequency attached by ClinVar (database versions not stated): TOPMed 0.00002; gnomAD 0.00001.
gnomAD v4.1: 8 of 1,611,626 alleles (0.0005%); highest among the groups gnomAD compares: Non-Finnish European, 0.00068%; no homozygotes.

Submissions (5):

Molecular Diagnostic Laboratory for Inherited Cardiovascular Disease, Montreal Heart Institute
Classification: Likely benign. Last evaluated: 2025-04-09. Review status: criteria provided, single submitter. Criteria: ACMG Guidelines, 2015. Collection method: clinical testing. Allele origin: germline. Affected: no.

Ambry Genetics
Classification: Likely benign for Cardiovascular phenotype. Last evaluated: 2024-12-29. Review status: criteria provided, single submitter. Criteria: Ambry Variant Classification Scheme 2023. Collection method: clinical testing. Allele origin: germline.

Labcorp Genetics (formerly Invitae), Labcorp
Classification: Likely benign for Charcot-Marie-Tooth disease type 2. Last evaluated: 2024-11-11. Review status: criteria provided, single submitter. Criteria: Invitae Variant Classification Sherloc (09022015). Collection method: clinical testing. Allele origin: germline.

Color Diagnostics, LLC DBA Color Health
Classification: Likely benign for Cardiomyopathy. Last evaluated: 2019-12-04. Review status: criteria provided, single submitter. Criteria: ACMG Guidelines, 2015. Collection method: clinical testing. Allele origin: germline.

PreventionGenetics, part of Exact Sciences
Classification: Likely benign for LMNA-related condition. Last evaluated: 2022-05-26. Review status: no assertion criteria provided. Collection method: clinical testing. Allele origin: germline. Not counted in ClinVar's aggregate classification.
Comment: This variant is classified as likely benign based on ACMG/AMP sequence variant interpretation guidelines (Richards et al. 2015 PMID: 25741868, with internal and published modifications).